The following is an entry in ClinVar:

NM_004446.3(EPRS1):c.2648C>T (p.Ser883Leu)

Gene: EPRS1 (glutamyl-prolyl-tRNA synthetase 1; minus strand). Cytogenetic location: 1q41.
Variant type: single nucleotide variant.
Coding change: c.2648C>T on transcript NM_004446.3 (MANE Select); coding-DNA position 2648, C replaced by T.
Protein change: p.Ser883Leu; replaces serine 883 with leucine.
Molecular consequence: missense variant.
Genome position (GRCh38, 1-based): chr1:219,988,717, G>A on the plus strand (C>T on the coding strand, the complement: EPRS1 is on the minus strand). VCF-style: chr1-219988717-G-A. GRCh37 (hg19) VCF-style: chr1-220162059-G-A.
Other names: c.2648C>T (NM_004446.2); short protein forms S883L.
Identifiers: ClinVar variation 1680938 (VCV001680938.7), dbSNP rs372832109, ClinGen allele CA1399918.

ClinVar aggregate classification (germline): Uncertain significance. Review status: criteria provided, multiple submitters, no conflicts (2 of 4 stars). 3 submissions from 3 submitters: Uncertain significance (3). Last evaluated 2025-12-16.

Conditions:
Inborn genetic diseases. Identifiers: MedGen C0950123, MeSH D030342.

Allele frequency attached by ClinVar (database versions not stated): gnomAD exomes 0.00005; TOPMed 0.00005; ESP Exome Variant Server 0.00008; ExAC 0.00003; gnomAD 0.00003 and 0.00004.
gnomAD v4.1: 47 of 1,613,714 alleles (0.0029%); highest among the groups gnomAD compares: Admixed American, 0.015%; no homozygotes.

Submissions (3):

Ambry Genetics
Classification: Uncertain significance for Inborn genetic diseases. Last evaluated: 2025-12-16. Review status: criteria provided, single submitter. Criteria: Ambry Variant Classification Scheme 2023. Collection method: clinical testing. Allele origin: germline.

Labcorp Genetics (formerly Invitae), Labcorp
Classification: Uncertain significance. Last evaluated: 2021-12-03. Review status: criteria provided, single submitter. Criteria: Invitae Variant Classification Sherloc (09022015). Collection method: clinical testing. Allele origin: germline.
Comment: This sequence change replaces serine, which is neutral and polar, with leucine, which is neutral and non-polar, at codon 883 of the EPRS protein (p.Ser883Leu). This variant is present in population databases (rs372832109, gnomAD 0.03%). This variant has not been reported in the literature in individuals affected with EPRS-related conditions. Algorithms developed to predict the effect of missense changes on protein structure and function output the following: SIFT: "Deleterious"; PolyPhen-2: "Benign"; Align-GVGD: "Class C0". The leucine amino acid residue is found in multiple mammalian species, which suggests that this missense change does not adversely affect protein function. In summary, the available evidence is currently insufficient to determine the role of this variant in disease. Therefore, it has been classified as a Variant of Uncertain Significance.

Breakthrough Genomics
Classification: Uncertain significance. Review status: criteria provided, single submitter. Criteria: ACMG Guidelines, 2015. Collection method: not provided. Allele origin: germline. Inheritance: Autosomal recessive inheritance. Affected: yes.